The following is an entry in ClinVar:

ClinVar aggregate classification (germline): Conflicting classifications of pathogenicity. Review status: criteria provided, conflicting classifications (1 of 4 stars). 5 submissions from 5 submitters: Uncertain significance (3); Likely benign (2). Last evaluated 2024-12-12.

Conditions:
Catecholaminergic polymorphic ventricular tachycardia (CVPT). Also called: Catecholamine-induced polymorphic ventricular tachycardia. Identifiers: Orphanet 3286, MedGen C5574922, MONDO:0017990.
Cardiomyopathy (CMYO). Also called: Cardiomyopathies. Identifiers: Orphanet 167848, MedGen C0878544, MONDO:0004994, HP:0001638. Inheritance: Various modes of inheritance.
Catecholaminergic polymorphic ventricular tachycardia 1. Also called: RYR2-Related Catecholaminergic Polymorphic Ventricular Tachycardia; VENTRICULAR TACHYCARDIA, STRESS-INDUCED POLYMORPHIC 1; VENTRICULAR TACHYCARDIA, CATECHOLAMINERGIC POLYMORPHIC, 1, WITH OR WITHOUT ATRIAL DYSFUNCTION AND/OR DILATED CARDIOMYOPATHY. Identifiers: Orphanet 3286, MedGen C1631597, MONDO:0011484, OMIM 604772.

Allele frequency attached by ClinVar (database versions not stated): gnomAD 0.00001; TOPMed 0.00002.
gnomAD v4.1: 12 of 1,613,468 alleles (0.00074%); highest among the groups gnomAD compares: East Asian, 0.027%; no homozygotes.

Submissions (5):

Labcorp Genetics (formerly Invitae), Labcorp
Classification: Likely benign for Catecholaminergic polymorphic ventricular tachycardia 1. Last evaluated: 2024-12-12. Review status: criteria provided, single submitter. Criteria: Invitae Variant Classification Sherloc (09022015). Collection method: clinical testing. Allele origin: germline.

All of Us Research Program, National Institutes of Health
Classification: Uncertain significance for Catecholaminergic polymorphic ventricular tachycardia. Last evaluated: 2023-05-16. Review status: criteria provided, single submitter. Criteria: ACMG Guidelines, 2015. Collection method: clinical testing. Allele origin: germline. Inheritance: Autosomal dominant inheritance. Observed: 2 variant alleles, 2 heterozygotes.
Comment: This missense variant replaces isoleucine with arginine at codon 881 of the RYR2 protein. Computational prediction suggests that this variant may have deleterious impact on protein structure and function (internally defined REVEL score threshold >= 0.7, PMID: 27666373). To our knowledge, functional studies have not been reported for this variant. This variant has been reported in an individual affected with paraganglioma-induced cardiomyopathy which was exacerbated by pregnancy (Zhao et al, 2022). This variant has been identified in 19/280142 chromosomes in the general population by the Genome Aggregation Database (gnomAD). The available evidence is insufficient to determine the role of this variant in disease conclusively. Therefore, this variant is classified as a Variant of Uncertain Significance.

This study involves interpretation of variants in research participants for the purpose of population health screening. Participant phenotype was not available at the time of variant classification. Additional details can be found in publication PMID: 35346344, PMCID: PMC8962531

Color Diagnostics, LLC DBA Color Health
Classification: Uncertain significance for Cardiomyopathy. Last evaluated: 2023-05-01. Review status: criteria provided, single submitter. Criteria: ACMG Guidelines, 2015. Collection method: clinical testing. Allele origin: germline.
Comment: This missense variant replaces isoleucine with arginine at codon 881 of the RYR2 protein. Computational prediction suggests that this variant may have deleterious impact on protein structure and function (internally defined REVEL score threshold >= 0.7, PMID: 27666373). To our knowledge, functional studies have not been reported for this variant. This variant has been reported in an individual affected with paraganglioma-induced cardiomyopathy which was exacerbated by pregnancy (Zhao et al, 2022). This variant has been identified in 19/280142 chromosomes in the general population by the Genome Aggregation Database (gnomAD). The available evidence is insufficient to determine the role of this variant in disease conclusively. Therefore, this variant is classified as a Variant of Uncertain Significance.

Blueprint Genetics
Classification: Likely benign. Last evaluated: 2021-10-19. Review status: criteria provided, single submitter. Criteria: ACMG Guidelines, 2015. Collection method: clinical testing. Allele origin: germline.

GeneDx
Classification: Uncertain significance. Last evaluated: 2020-02-05. Review status: criteria provided, single submitter. Criteria: GeneDx Variant Classification Process June 2021. Collection method: clinical testing. Allele origin: germline. Affected: yes.
Comment: Has not been previously published as pathogenic or benign to our knowledge; In silico analysis supports that this missense variant has a deleterious effect on protein structure/function; Not located in one of the three hot-spot regions of the RYR2 gene, where the majority of pathogenic missense variants occur (Medeiros-Domingo et al., 2009)

NM_001035.3(RYR2):c.2642T>G (p.Ile881Arg)

Gene: RYR2 (ryanodine receptor 2; plus strand). Cytogenetic location: 1q43.
Variant type: single nucleotide variant.
Coding change: c.2642T>G on transcript NM_001035.3 (MANE Select); coding-DNA position 2642, T replaced by G.
Protein change: p.Ile881Arg; replaces isoleucine 881 with arginine.
Molecular consequence: missense variant.
Genome position (GRCh38, 1-based): chr1:237,506,738, T>G. VCF-style: chr1-237506738-T-G. GRCh37 (hg19) VCF-style: chr1-237670038-T-G.
Other names: c.2642T>G (NM_001035.2); short protein forms I881R.
Identifiers: ClinVar variation 920553 (VCV000920553.20), dbSNP rs762792701, ClinGen allele CA086101.